The following is an entry in ClinVar:

NM_000090.4(COL3A1):c.4254+10A>G

Gene: COL3A1 (collagen type III alpha 1 chain; plus strand). Cytogenetic location: 2q32.2.
Variant type: single nucleotide variant.
Coding change: c.4254+10A>G on transcript NM_000090.4 (MANE Select); 10 bases into the intron after coding-DNA position 4254, A replaced by G.
Molecular consequence: intron variant.
Genome position (GRCh38, 1-based): chr2:189,010,900, A>G. VCF-style: chr2-189010900-A-G. GRCh37 (hg19) VCF-style: chr2-189875626-A-G.
Identifiers: ClinVar variation 929123 (VCV000929123.1), dbSNP rs1045801346, ClinGen allele CA62564561.

ClinVar aggregate classification (germline): Uncertain significance (1 of 4 stars; one submission).

Allele frequency attached by ClinVar (database versions not stated): gnomAD exomes below 0.00001; gnomAD 0.00001.
gnomAD v4.1: 3 of 1,613,894 alleles (0.00019%); highest among the groups gnomAD compares: Non-Finnish European, 0.00025%; no homozygotes.

Submission:

Women's Health and Genetics/Laboratory Corporation of America, LabCorp
Classification: Uncertain significance. Last evaluated: 2019-02-18. Review status: criteria provided, single submitter. Criteria: LabCorp Variant Classification Summary - May 2015. Collection method: clinical testing. Allele origin: germline.
Comment: Variant summary: COL3A1 c.4254+10A>G alters a non-conserved nucleotide located close to a canonical splice site and therefore could affect mRNA splicing, leading to a significantly altered protein sequence. 5/5 computational tools predict no significant impact on normal splicing. However, these predictions have yet to be confirmed by functional studies. The variant allele was found at a frequency of 3.2e-05 in 30982 control chromosomes (gnomAD). The available data on variant occurrences in the general population are insufficient to allow any conclusion about variant significance. To our knowledge, no occurrence of c.4254+10A>G in individuals affected with Aortopathy and no experimental evidence demonstrating its impact on protein function have been reported. No clinical diagnostic laboratories have submitted clinical-significance assessments for this variant to ClinVar after 2014. Based on the evidence outlined above, the variant was classified as uncertain significance.